The following is an entry in ClinVar:

NM_005909.5(MAP1B):c.6043A>C (p.Thr2015Pro)

Gene: MAP1B (microtubule associated protein 1B; plus strand). Cytogenetic location: 5q13.2.
Variant type: single nucleotide variant.
Coding change: c.6043A>C on transcript NM_005909.5 (MANE Select); coding-DNA position 6043, A replaced by C.
Protein change: p.Thr2015Pro; replaces threonine 2015 with proline.
Molecular consequence: missense variant.
Genome position (GRCh38, 1-based): chr5:72,199,398, A>C. VCF-style: chr5-72199398-A-C. GRCh37 (hg19) VCF-style: chr5-71495225-A-C.
Other names: c.5665A>C, p.Thr1889Pro (NM_001324255.2); short protein forms T1889P, T2015P.
Identifiers: ClinVar variation 2631053 (VCV002631053.1), dbSNP rs2478585413, ClinGen allele CA360020546.

ClinVar aggregate classification (germline): Uncertain significance (1 of 4 stars; one submission).

Conditions:
MAP1B-related disorder. Also called: MAP1B-related condition.

Submission:

PreventionGenetics, part of Exact Sciences
Classification: Uncertain significance for MAP1B-related condition. Last evaluated: 2023-09-17. Review status: criteria provided, single submitter. Criteria: ACMG Guidelines, 2015. Collection method: clinical testing. Allele origin: germline.
Comment: The MAP1B c.6043A>C variant is predicted to result in the amino acid substitution p.Thr2015Pro. To our knowledge, this variant has not been reported in the literature or in a large population database, indicating this variant is rare. At this time, the clinical significance of this variant is uncertain due to the absence of conclusive functional and genetic evidence.